The following is an entry in ClinVar:

NM_002473.6(MYH9):c.5483+5G>A

Gene: MYH9 (myosin heavy chain 9; minus strand). Cytogenetic location: 22q12.3.
Variant type: single nucleotide variant.
Coding change: c.5483+5G>A on transcript NM_002473.6 (MANE Select); 5 bases into the intron after coding-DNA position 5483, G replaced by A.
Molecular consequence: intron variant.
Genome position (GRCh38, 1-based): chr22:36,285,116, C>T on the plus strand (G>A on the coding strand, the complement: MYH9 is on the minus strand). VCF-style: chr22-36285116-C-T. GRCh37 (hg19) VCF-style: chr22-36681162-C-T.
Other names: NC_000022.10:g.36681162C>T.
Identifiers: ClinVar variation 4458092 (VCV004458092.2).

ClinVar aggregate classification (germline): Uncertain significance (1 of 4 stars; one submission).

gnomAD v4.1: 16 of 1,613,498 alleles (0.00099%); highest among the groups gnomAD compares: Admixed American, 0.0067%; no homozygotes.

Submissions (2):

Labcorp Genetics (formerly Invitae), Labcorp
Classification: Uncertain significance. Last evaluated: 2025-10-19. Review status: criteria provided, single submitter. Criteria: Invitae Variant Classification Sherloc (09022015). Collection method: clinical testing. Allele origin: germline.
Comment: This sequence change falls in intron 38 of the MYH9 gene. It does not directly change the encoded amino acid sequence of the MYH9 protein. It affects a nucleotide within the consensus splice site. This variant is present in population databases (rs779403059, gnomAD 0.009%). This variant has not been reported in the literature in individuals affected with MYH9-related conditions. Variants that disrupt the consensus splice site are a relatively common cause of aberrant splicing (PMID: 17576681, 9536098). Algorithms developed to predict the effect of sequence changes on RNA splicing suggest that this variant may disrupt the consensus splice site. In summary, the available evidence is currently insufficient to determine the role of this variant in disease. Therefore, it has been classified as a Variant of Uncertain Significance.

Dr. Peter K. Rogan Lab, Western University
No classification provided (evidence only). Condition: Familial cancer of breast. Review status: no classification provided. Collection method: in vitro. Allele origin: not applicable. Functional consequence: retained intron. Not counted in ClinVar's aggregate classification.

Literature cited by the submitters: PubMed 17576681 (cited by Labcorp Genetics (formerly Invitae), Labcorp); PubMed 9536098 (cited by Labcorp Genetics (formerly Invitae), Labcorp).